The following is an entry in ClinVar:

NM_138927.4(SON):c.4151T>G (p.Leu1384Arg)

Gene: SON (SON DNA and RNA binding protein; plus strand). Cytogenetic location: 21q22.11.
Variant type: single nucleotide variant.
Coding change: c.4151T>G on transcript NM_138927.4 (MANE Select); coding-DNA position 4151, T replaced by G.
Protein change: p.Leu1384Arg; replaces leucine 1384 with arginine.
Molecular consequence: missense variant. On other transcripts: non-coding transcript variant (1), intron variant (1).
Genome position (GRCh38, 1-based): chr21:33,553,382, T>G. VCF-style: chr21-33553382-T-G. GRCh37 (hg19) VCF-style: chr21-34925688-T-G.
Other names: c.4151T>G, p.Leu1384Arg (NM_001291411.2, NM_001412133.1, NM_032195.3 and 2 more transcripts); c.245-3774T>G (NM_001291412.3); short protein forms L1384R.
Identifiers: ClinVar variation 1926734 (VCV001926734.6), dbSNP rs751427513, ClinGen allele CA10009466.

ClinVar aggregate classification (germline): Uncertain significance. Review status: criteria provided, multiple submitters, no conflicts (2 of 4 stars). 2 submissions from 2 submitters: Uncertain significance (2). Last evaluated 2024-05-29.

Allele frequency attached by ClinVar (database versions not stated): gnomAD exomes below 0.00001; ExAC 0.00002; TOPMed 0.00003; gnomAD 0.00005.
gnomAD v4.1: 13 of 1,613,418 alleles (0.00081%); highest among the groups gnomAD compares: African/African-American, 0.012%; no homozygotes.

Submissions (2):

Women's Health and Genetics/Laboratory Corporation of America, LabCorp
Classification: Uncertain significance. Last evaluated: 2024-05-29. Review status: criteria provided, single submitter. Criteria: LabCorp Variant Classification Summary - May 2015. Collection method: clinical testing. Allele origin: germline.
Comment: Variant summary: SON c.4151T>G (p.Leu1384Arg) results in a non-conservative amino acid change in the encoded protein sequence. Three of five in-silico tools predict a benign effect of the variant on protein function. The variant allele was found at a frequency of 1.2e-05 in 251396 control chromosomes. The available data on variant occurrences in the general population are insufficient to allow any conclusion about variant significance. To our knowledge, no occurrence of c.4151T>G in individuals affected with ZTTK Syndrome and no experimental evidence demonstrating its impact on protein function have been reported. ClinVar contains an entry for this variant (Variation ID: 1926734). Based on the evidence outlined above, the variant was classified as uncertain significance.

Labcorp Genetics (formerly Invitae), Labcorp
Classification: Uncertain significance. Last evaluated: 2022-08-11. Review status: criteria provided, single submitter. Criteria: Invitae Variant Classification Sherloc (09022015). Collection method: clinical testing. Allele origin: germline.
Comment: This sequence change replaces leucine, which is neutral and non-polar, with arginine, which is basic and polar, at codon 1384 of the SON protein (p.Leu1384Arg). This variant is present in population databases (rs751427513, gnomAD 0.008%). This variant has not been reported in the literature in individuals affected with SON-related conditions. Algorithms developed to predict the effect of missense changes on protein structure and function (SIFT, PolyPhen-2, Align-GVGD) all suggest that this variant is likely to be tolerated. In summary, the available evidence is currently insufficient to determine the role of this variant in disease. Therefore, it has been classified as a Variant of Uncertain Significance.